The following is an entry in ClinVar:

NM_000486.6(AQP2):c.14G>A (p.Arg5His)

Gene: AQP2 (aquaporin 2; plus strand). Cytogenetic location: 12q13.12.
Variant type: single nucleotide variant.
Coding change: c.14G>A on transcript NM_000486.6 (MANE Select); coding-DNA position 14, G replaced by A.
Protein change: p.Arg5His; replaces arginine 5 with histidine.
Molecular consequence: missense variant.
Genome position (GRCh38, 1-based): chr12:49,950,844, G>A. VCF-style: chr12-49950844-G-A. GRCh37 (hg19) VCF-style: chr12-50344627-G-A.
Other names: short protein forms R5H.
Identifiers: ClinVar variation 2201884 (VCV002201884.2), dbSNP rs148006652, ClinGen allele CA6559125.

ClinVar aggregate classification (germline): Uncertain significance. Review status: criteria provided, multiple submitters, no conflicts (2 of 4 stars). 2 submissions from 2 submitters: Uncertain significance (2). Last evaluated 2022-10-16.

Conditions:
Inborn genetic diseases. Identifiers: MedGen C0950123, MeSH D030342.

Allele frequency attached by ClinVar (database versions not stated): ExAC 0.00004; TOPMed 0.00006; gnomAD 0.00007; gnomAD exomes 0.00009; ESP Exome Variant Server 0.00023.
gnomAD v4.1: 138 of 1,612,114 alleles (0.0086%); highest among the groups gnomAD compares: Non-Finnish European, 0.011%; no homozygotes.

Submissions (2):

Labcorp Genetics (formerly Invitae), Labcorp
Classification: Uncertain significance. Last evaluated: 2022-10-16. Review status: criteria provided, single submitter. Criteria: Invitae Variant Classification Sherloc (09022015). Collection method: clinical testing. Allele origin: germline.
Comment: This sequence change replaces arginine, which is basic and polar, with histidine, which is basic and polar, at codon 5 of the AQP2 protein (p.Arg5His). This variant is present in population databases (rs148006652, gnomAD 0.009%). This variant has not been reported in the literature in individuals affected with AQP2-related conditions. Algorithms developed to predict the effect of missense changes on protein structure and function (SIFT, PolyPhen-2, Align-GVGD) all suggest that this variant is likely to be tolerated. In summary, the available evidence is currently insufficient to determine the role of this variant in disease. Therefore, it has been classified as a Variant of Uncertain Significance.

Ambry Genetics
Classification: Uncertain significance for Inborn genetic diseases. Last evaluated: 2021-10-12. Review status: criteria provided, single submitter. Criteria: Ambry Variant Classification Scheme 2023. Collection method: clinical testing. Allele origin: germline.